The following is an entry in ClinVar:

NM_002024.6(FMR1):c.714T>C (p.Gly238=)

Gene: FMR1 (fragile X messenger ribonucleoprotein 1; plus strand). Cytogenetic location: Xq27.3.
Variant type: single nucleotide variant.
Coding change: c.714T>C on transcript NM_002024.6 (MANE Select); coding-DNA position 714, T replaced by C.
Protein change: p.Gly238=; no amino-acid change (glycine 238 retained).
Molecular consequence: synonymous variant. On other transcripts: non-coding transcript variant (2).
Genome position (GRCh38, 1-based): chrX:147,932,508, T>C. VCF-style: chrX-147932508-T-C. GRCh37 (hg19) VCF-style: chrX-147014027-T-C.
Other names: c.714T>C, p.Gly238= (NM_001185075.2, NM_001185076.2, NM_001185081.2 and 1 more transcripts).
Identifiers: ClinVar variation 1336074 (VCV001336074.29), dbSNP rs200138498, ClinGen allele CA10536211.
Genomic context (GRCh38, chrX:147,932,508, plus strand): 5'-ATTTCATGAACAGTTTATCGTAAGAGAAGATCTGATGGGTCTAGCTATTGGTACTCATGG[T>C]GCTAATATTCAGCAAGCTAGAAAAGTACCTGGGGTCACTGCTATTGATCTAGATGAAGAT-3'
Protein context (NP_002015.1, residues 228-248): DLMGLAIGTH[Gly238=]ANIQQARKVP

ClinVar aggregate classification (germline): Likely benign. Review status: criteria provided, multiple submitters, no conflicts (2 of 4 stars). 4 submissions from 4 submitters: Likely benign (3). 1 of the submissions does not count toward it. Last evaluated 2024-05-02.

Conditions:
FMR1-related disorder. Also called: FMR1-related condition.

Allele frequency attached by ClinVar (database versions not stated): TOPMed 0.00002; gnomAD 0.00005; gnomAD exomes 0.00006 and 0.00007; ExAC 0.00009; 1000 Genomes Project 30x 0.00021; 1000 Genomes Project 0.00026.
gnomAD v4.1: 86 of 1,204,235 alleles (0.0071%); highest among the groups gnomAD compares: Middle Eastern, 0.39%; 1 homozygote.

Submissions (4):

Blueprint Genetics
Classification: Likely benign. Last evaluated: 2024-05-02. Review status: criteria provided, single submitter. Criteria: ACMG Guidelines, 2015. Collection method: clinical testing. Allele origin: germline.

CeGaT Center for Human Genetics Tuebingen
Classification: Likely benign. Last evaluated: 2024-03-01. Review status: criteria provided, single submitter. Criteria: CeGaT Center For Human Genetics Tuebingen Variant Classification Criteria Version 2. Collection method: clinical testing. Allele origin: germline. Affected: yes. Observed: 2 variant alleles.
Comment: FMR1: BP4, BS2

Genetic Services Laboratory, University of Chicago
Classification: Likely benign. Last evaluated: 2017-12-29. Review status: criteria provided, single submitter. Criteria: ACMG Guidelines, 2015. Collection method: clinical testing. Allele origin: germline. Affected: no.

PreventionGenetics, part of Exact Sciences
Classification: Likely benign for FMR1-related condition. Last evaluated: 2024-09-17. Review status: no assertion criteria provided. Collection method: clinical testing. Allele origin: germline. Not counted in ClinVar's aggregate classification.
Comment: This variant is classified as likely benign based on ACMG/AMP sequence variant interpretation guidelines (Richards et al. 2015 PMID: 25741868, with internal and published modifications).